The following is an entry in ClinVar:

ClinVar aggregate classification (germline): Uncertain significance. Review status: criteria provided, multiple submitters, no conflicts (2 of 4 stars). 2 submissions from 2 submitters: Uncertain significance (2). Last evaluated 2024-05-03.

Allele frequency attached by ClinVar (database versions not stated): TOPMed below 0.00001; gnomAD exomes 0.00003; ExAC 0.00008.
gnomAD v4.1: 43 of 1,613,104 alleles (0.0027%); highest among the groups gnomAD compares: Non-Finnish European, 0.0033%; no homozygotes.

Submissions (2):

Blueprint Genetics
Classification: Uncertain significance. Last evaluated: 2024-05-03. Review status: criteria provided, single submitter. Criteria: ACMG Guidelines, 2015. Collection method: clinical testing. Allele origin: germline.

Labcorp Genetics (formerly Invitae), Labcorp
Classification: Uncertain significance. Last evaluated: 2023-12-23. Review status: criteria provided, single submitter. Criteria: Invitae Variant Classification Sherloc (09022015). Collection method: clinical testing. Allele origin: germline.
Comment: This sequence change replaces proline, which is neutral and non-polar, with serine, which is neutral and polar, at codon 119 of the RP1L1 protein (p.Pro119Ser). This variant is present in population databases (rs780348443, gnomAD 0.009%). This variant has not been reported in the literature in individuals affected with RP1L1-related conditions. Advanced modeling of protein sequence and biophysical properties (such as structural, functional, and spatial information, amino acid conservation, physicochemical variation, residue mobility, and thermodynamic stability) performed at Invitae indicates that this missense variant is not expected to disrupt RP1L1 protein function with a negative predictive value of 80%. In summary, the available evidence is currently insufficient to determine the role of this variant in disease. Therefore, it has been classified as a Variant of Uncertain Significance.

NM_178857.6(RP1L1):c.355C>T (p.Pro119Ser)

Gene: RP1L1 (RP1 like 1). Cytogenetic location: 8p23.1.
Variant type: single nucleotide variant.
Coding change: c.355C>T on transcript NM_178857.6 (MANE Select); coding-DNA position 355, C replaced by T.
Protein change: p.Pro119Ser; replaces proline 119 with serine.
Molecular consequence: missense variant.
Genome position (GRCh38, 1-based): chr8:10,622,847, G>A on the plus strand (C>T on the coding strand, the complement: RP1L1 is on the minus strand). VCF-style: chr8-10622847-G-A. GRCh37 (hg19) VCF-style: chr8-10480357-G-A.
Other names: short protein forms P119S.
Identifiers: ClinVar variation 2982527 (VCV002982527.4), dbSNP rs780348443, ClinGen allele CA4625741.